The following is an entry in ClinVar:

NM_006308.3(HSPB3):c.185C>T (p.Thr62Met)

Gene: HSPB3 (heat shock protein family B (small) member 3; plus strand). Cytogenetic location: 5q11.2.
Variant type: single nucleotide variant.
Coding change: c.185C>T on transcript NM_006308.3 (MANE Select); coding-DNA position 185, C replaced by T.
Protein change: p.Thr62Met; replaces threonine 62 with methionine.
Molecular consequence: missense variant.
Genome position (GRCh38, 1-based): chr5:54,455,974, C>T. VCF-style: chr5-54455974-C-T. GRCh37 (hg19) VCF-style: chr5-53751804-C-T.
Other names: short protein forms T62M.
Identifiers: ClinVar variation 2910188 (VCV002910188.3), dbSNP rs201011378, ClinGen allele CA3264624.

ClinVar aggregate classification (germline): Uncertain significance (1 of 4 stars; one submission).

Conditions:
Neuronopathy, distal hereditary motor, type 2C. Also called: HMN IIC; NEUROPATHY, DISTAL HEREDITARY MOTOR, AUTOSOMAL DOMINANT 4; NEURONOPATHY, DISTAL HEREDITARY MOTOR, HARDING TYPE IIC; NEUROPATHY, DISTAL HEREDITARY MOTOR, HARDING TYPE IIC. Identifiers: Orphanet 139525, MedGen C3150619, MONDO:0013243, OMIM 613376.

Allele frequency attached by ClinVar (database versions not stated): TOPMed below 0.00001; gnomAD 0.00001; gnomAD exomes 0.00001; ExAC 0.00002; ESP Exome Variant Server 0.00008; 1000 Genomes Project 0.00020; 1000 Genomes Project 30x 0.00031.
gnomAD v4.1: 18 of 1,614,122 alleles (0.0011%); highest among the groups gnomAD compares: East Asian, 0.011%; no homozygotes.

Submission:

Labcorp Genetics (formerly Invitae), Labcorp
Classification: Uncertain significance for Neuronopathy, distal hereditary motor, type 2C. Last evaluated: 2023-02-06. Review status: criteria provided, single submitter. Criteria: Invitae Variant Classification Sherloc (09022015). Collection method: clinical testing. Allele origin: germline.
Comment: In summary, the available evidence is currently insufficient to determine the role of this variant in disease. Therefore, it has been classified as a Variant of Uncertain Significance. Algorithms developed to predict the effect of missense changes on protein structure and function output the following: SIFT: "Tolerated"; PolyPhen-2: "Benign"; Align-GVGD: "Class C0". The methionine amino acid residue is found in multiple mammalian species, which suggests that this missense change does not adversely affect protein function. This missense change has been observed in individual(s) with developmental disorders (PMID: 31785789). This variant is present in population databases (rs201011378, gnomAD 0.01%). This sequence change replaces threonine, which is neutral and polar, with methionine, which is neutral and non-polar, at codon 62 of the HSPB3 protein (p.Thr62Met).

Literature cited by the submitters: PubMed 31785789.